The following is an entry in ClinVar:

ClinVar aggregate classification (germline): Likely benign. Review status: criteria provided, single submitter (1 of 4 stars). 2 submissions from 1 submitter: Likely benign (2). Last evaluated 2018-01-12.

Conditions:
Susceptibility to mononeuropathy of the median nerve, mild. Also called: CARPAL TUNNEL SYNDROME, SUSCEPTIBILITY TO. Identifiers: MedGen C3150596, MONDO:0013237, OMIM 613353.
Charcot-Marie-Tooth disease type 4C (CMT4C). Also called: CHARCOT-MARIE-TOOTH DISEASE, DEMYELINATING, AUTOSOMAL RECESSIVE, TYPE 4C; CMT 4C; Charcot-Marie-Tooth Neuropathy Type 4C (CMT4C); CHARCOT-MARIE-TOOTH DISEASE, DEMYELINATING, TYPE 4C; SH3TC2-Related Hereditary Motor and Sensory Neuropathy. Identifiers: Orphanet 99949, MedGen C1866636, MONDO:0011113, OMIM 601596.

Allele frequency attached by ClinVar (database versions not stated): 1000 Genomes Project 0.00060; TOPMed 0.00069; gnomAD 0.00070 and 0.00074; 1000 Genomes Project 30x 0.00078.
gnomAD v4.1: 105 of 152,284 alleles (0.069%); highest among the groups gnomAD compares: African/African-American, 0.25%; no homozygotes.

Submissions (2):

Illumina Laboratory Services, Illumina
Classification: Likely benign for Charcot-Marie-Tooth disease type 4C. Last evaluated: 2018-01-12. Review status: criteria provided, single submitter. Criteria: ICSL Variant Classification Criteria 13 December 2019. Collection method: clinical testing. Allele origin: germline.
Comment: This variant was observed in the ICSL laboratory as part of a predisposition screen in an ostensibly healthy population. It had not been previously curated by ICSL or reported in the Human Gene Mutation Database (HGMD: prior to June 1st, 2018), and was therefore a candidate for classification through an automated scoring system. Utilizing variant allele frequency, disease prevalence and penetrance estimates, and inheritance mode, an automated score was calculated to assess if this variant is too frequent to cause the disease. Based on the score and internal cut-off values, a variant classified as likely benign is not then subjected to further curation. The score for this variant resulted in a classification of likely benign for this disease.

Illumina Laboratory Services, Illumina
Classification: Likely benign for Susceptibility to mononeuropathy of the median nerve, mild. Last evaluated: 2018-01-12. Review status: criteria provided, single submitter. Criteria: ICSL Variant Classification Criteria 13 December 2019. Collection method: clinical testing. Allele origin: germline.
Comment: the same text as in the submission from Illumina Laboratory Services, Illumina above.

NM_024577.4(SH3TC2):c.*4713G>A

Gene: SH3TC2 (SH3 domain and tetratricopeptide repeats 2; minus strand). Cytogenetic location: 5q32.
Variant type: single nucleotide variant.
Coding change: c.*4713G>A on transcript NM_024577.4 (MANE Select); 4713 bases downstream of the stop codon, G replaced by A.
Molecular consequence: 3 prime UTR variant.
Genome position (GRCh38, 1-based): chr5:148,999,998, C>T on the plus strand (G>A on the coding strand, the complement: SH3TC2 is on the minus strand). VCF-style: chr5-148999998-C-T. GRCh37 (hg19) VCF-style: chr5-148379561-C-T.
Identifiers: ClinVar variation 351818 (VCV000351818.5), dbSNP rs191742061, ClinGen allele CA10619557.